The following is an entry in ClinVar:

ClinVar aggregate classification (germline): Uncertain significance (1 of 4 stars; one submission).

gnomAD v4.1: 7 of 1,613,918 alleles (0.00043%); highest among the groups gnomAD compares: Non-Finnish European, 0.00059%; no homozygotes.

Submission:

Ambry Genetics
Classification: Uncertain significance. Last evaluated: 2026-03-10. Review status: criteria provided, single submitter. Criteria: Ambry Variant Classification Scheme 2023. Collection method: clinical testing. Allele origin: germline.
Comment: The c.550G>T (p.D184Y) alteration is located in exon 5 (coding exon 5) of the SPAG17 gene. This alteration results from a G to T substitution at nucleotide position 550, causing the aspartic acid (D) at amino acid position 184 to be replaced by a tyrosine (Y). Based on data from gnomAD, the T allele has an overall frequency of 0.001% (2/251380) total alleles studied. The highest observed frequency was 0.002% (2/113696) of European (non-Finnish) alleles. Based on insufficient or conflicting evidence, the clinical significance of this alteration remains unclear.

NM_206996.4(SPAG17):c.550G>T (p.Asp184Tyr)

Gene: SPAG17 (sperm associated antigen 17; minus strand). Cytogenetic location: 1p12.
Variant type: single nucleotide variant.
Coding change: c.550G>T on transcript NM_206996.4 (MANE Select); coding-DNA position 550, G replaced by T.
Protein change: p.Asp184Tyr; replaces aspartic acid 184 with tyrosine.
Molecular consequence: missense variant.
Genome position (GRCh38, 1-based): chr1:118,101,824, C>A on the plus strand (G>T on the coding strand, the complement: SPAG17 is on the minus strand). VCF-style: chr1-118101824-C-A. GRCh37 (hg19) VCF-style: chr1-118644447-C-A.
Other names: short protein forms D184Y.
Identifiers: ClinVar variation 4831969 (VCV004831969.1).
Genomic context (GRCh38, chr1:118,101,824, plus strand): 5'-CTTCTCCTCTCCGCTTTAACTGGGTGGTCTTTTTCACTGGTGCATTTGCCTCAGGCTGAT[C>A]CTTTCCCTTTCCTTTGGCAGGCTTGGCACTTGGAGCCTTTTTCTCCTTGGGAGATTTTGC-3'
Protein context (NP_996879.1, residues 174-194): SAKPAKGKGK[Asp184Tyr]QPEANAPVKK